The following is an entry in ClinVar:

ClinVar aggregate classification (germline): Pathogenic (1 of 4 stars; one submission).

Conditions:
Hereditary cancer-predisposing syndrome. Also called: Hereditary Cancer Syndrome; Hereditary neoplastic syndrome; Neoplastic Syndromes, Hereditary; Tumor predisposition. Identifiers: Orphanet 140162, MedGen C0027672, MeSH D009386, MONDO:0015356.

Submission:

Ambry Genetics
Classification: Pathogenic for Hereditary cancer-predisposing syndrome. Last evaluated: 2025-08-15. Review status: criteria provided, single submitter. Criteria: Ambry Variant Classification Scheme 2023. Collection method: clinical testing. Allele origin: germline.
Comment: The c.1095_1099delCTGGC pathogenic mutation, located in coding exon 7 of the FLCN gene, results from a deletion of 5 nucleotides at nucleotide positions 1095 to 1099, causing a translational frameshift with a predicted alternate stop codon (p.W366Rfs*22). This variant is considered to be rare based on population cohorts in the Genome Aggregation Database (gnomAD). This alteration is expected to result in loss of function by premature protein truncation or nonsense-mediated mRNA decay. As such, this alteration is interpreted as a disease-causing mutation.

NM_144997.7(FLCN):c.1095_1099del (p.Trp366fs)

Gene: FLCN (folliculin; minus strand). Cytogenetic location: 17p11.2.
Variant type: Microsatellite.
Coding change: c.1095_1099del on transcript NM_144997.7 (MANE Select); coding-DNA positions 1095 to 1099, 5 bases deleted (CTGGC; older notation c.1095_1099delCTGGC).
Protein change: p.Trp366fs; shifts the reading frame from tryptophan 366.
Molecular consequence: frameshift variant.
Genome position (GRCh38, 1-based): chr17:17,217,146-17,217,150, GCCAG deleted on the plus strand (CTGGC on the coding strand, the reverse complement: FLCN is on the minus strand); deleting any 5 consecutive bases within chr17:17,217,146-17,217,155 gives the same sequence; the c. name uses the placement nearest the transcript's 3' end. VCF-style (leftmost placement, unchanged base first): chr17-17217145-TGCCAG-T. GRCh37 (hg19) VCF-style: chr17-17120459-TGCCAG-T.
Other names: c.1149_1153del, p.Trp384fs (NM_001353229.2); c.1095_1099del, p.Trp366fs (NM_001353230.2, NM_001353231.2); c.1090_1094CTGGC[1], p.Trp366Argfs (NM_144997.5); c.1095_1099delCTGGC (NM_144997.5); short protein forms W384fs, W366fs.
Identifiers: ClinVar variation 4257940 (VCV004257940.1).
Genomic context (GRCh38, chr17:17,217,145, plus strand): 5'-GCTGACTGGACGAGGTCCACGTCTCTGCTTTTCCAGATCACCTGGTTCCCCATGAGAACG[TGCCAG>T]GCCAGCATGCGGAAAGAAGGGGCACCCAGGACCTAAACAAGAGAGTGCAGTGCTTTCAGC-3'